The following is an entry in ClinVar:

ClinVar aggregate classification (germline): Likely benign (1 of 4 stars; one submission).

Submission:

CeGaT Center for Human Genetics Tuebingen
Classification: Likely benign. Last evaluated: 2025-07-01. Review status: criteria provided, single submitter. Criteria: CeGaT Center For Human Genetics Tuebingen Variant Classification Criteria Version 2. Collection method: clinical testing. Allele origin: germline. Affected: yes. Observed: 1 variant allele.
Comment: TRIT1: PM2:Supporting, BP4, BP7

NM_017646.6(TRIT1):c.21A>T (p.Ala7=)

Genes: MYCL-AS1 (MYCL antisense RNA 1; plus strand), TRIT1 (tRNA isopentenyltransferase 1; minus strand). Cytogenetic location: 1p34.2.
Variant type: single nucleotide variant.
Coding change: c.21A>T on transcript NM_017646.6 (MANE Select); coding-DNA position 21, A replaced by T.
Protein change: p.Ala7=; no amino-acid change (alanine 7 retained).
Molecular consequence: synonymous variant.
Genome position (GRCh38, 1-based): chr1:39,883,471, T>A on the plus strand (A>T on the coding strand, the complement: TRIT1 is on the minus strand). VCF-style: chr1-39883471-T-A. GRCh37 (hg19) VCF-style: chr1-40349143-T-A.
Other names: c.21A>T, p.Ala7= (NM_001312691.2, NM_001312692.2).
Identifiers: ClinVar variation 4085434 (VCV004085434.8).